The following is an entry in ClinVar:

NM_001291415.2(KDM6A):c.1780C>T (p.Gln594Ter)

Gene: KDM6A (lysine demethylase 6A; plus strand). Cytogenetic location: Xp11.3.
Variant type: single nucleotide variant.
Coding change: c.1780C>T on transcript NM_001291415.2 (MANE Select); coding-DNA position 1780, C replaced by T.
Protein change: p.Gln594Ter; replaces glutamine 594 with a stop codon.
Molecular consequence: nonsense. On other transcripts: non-coding transcript variant (1).
Genome position (GRCh38, 1-based): chrX:45,063,518, C>T. VCF-style: chrX-45063518-C-T. GRCh37 (hg19) VCF-style: chrX-44922763-C-T.
Other names: c.1645C>T, p.Gln549Ter (NM_001291416.2, NM_001419811.1); c.1489C>T, p.Gln497Ter (NM_001291417.2); c.1387C>T, p.Gln463Ter (NM_001291418.2, NM_001419815.1); c.736C>T, p.Gln246Ter (NM_001291421.2); c.1522C>T, p.Gln508Ter (NM_001410742.1, NM_001419814.1); c.1780C>T, p.Gln594Ter (NM_001419809.1); c.1678C>T, p.Gln560Ter (NM_001419810.1, NM_001419813.1); c.1624C>T, p.Gln542Ter (NM_001419812.1, NM_021140.4); short protein forms Q246*, Q463*, Q497*, Q508*, Q542*, Q549*, Q560*, Q594*.
Identifiers: ClinVar variation 4686667 (VCV004686667.1).

ClinVar aggregate classification (germline): Pathogenic (1 of 4 stars; one submission).

Conditions:
Kabuki syndrome 2 (KABUK2). Also called: KDM6A-Related Kabuki Syndrome. Identifiers: Orphanet 2322, MedGen C3275495, MONDO:0010465, OMIM 300867.

Submission:

Molecular Genetics Laboratory, Motol Hospital
Classification: Pathogenic for Kabuki syndrome 2. Last evaluated: 2026-01-24. Review status: criteria provided, single submitter. Criteria: ACMG Guidelines, 2015. Collection method: clinical testing. Allele origin: maternal. Inheritance: X-linked inheritance. Affected: yes. Observed: 1 hemizygote.
Comment: Not present in non-FInnish European population (gnomAD v4.1.0) (PM2). Rare truncating variants in the KDM6A gene are associated with X-linked Kabuki syndrome 2 (MIM:300867; KABUK2; PMID:33674768;PMID:24664873;PMID:24633898) (PVS1). Likely results in NMD. To conclude, variant NM_001291415.2(KDM6A):​c.1780C>T​(p.Gln594*) is classified as pathogenic.

Literature cited by the submitters: PubMed 33674768; PubMed 24664873; PubMed 24633898; NCBI Bookshelf 62111.